The following is an entry in ClinVar:

NM_000038.6(APC):c.508G>T (p.Asp170Tyr)

Gene: APC (APC regulator of Wnt signaling pathway; plus strand). Cytogenetic location: 5q22.2.
Variant type: single nucleotide variant.
Coding change: c.508G>T on transcript NM_000038.6 (MANE Select); coding-DNA position 508, G replaced by T.
Protein change: p.Asp170Tyr; replaces aspartic acid 170 with tyrosine.
Molecular consequence: missense variant. On other transcripts: 5 prime UTR variant (4), non-coding transcript variant (2).
Genome position (GRCh38, 1-based): chr5:112,775,714, G>T. VCF-style: chr5-112775714-G-T. GRCh37 (hg19) VCF-style: chr5-112111411-G-T.
Other names: c.508G>T, p.Asp170Tyr (NM_001407458.1, NM_001407459.1, NM_001407460.1 and 16 more transcripts); c.-528G>T (NM_001407470.1, NM_001407471.1, NM_001407472.1 and 1 more transcripts); c.433G>T, p.Asp145Tyr (NM_001407451.1, NM_001354898.2, NM_001354904.2); c.331G>T, p.Asp111Tyr (NM_001407453.1, NM_001354900.2, NM_001354901.2 and 1 more transcripts); c.538G>T, p.Asp180Tyr (NM_001127511.3, NM_001354897.2, NM_001354902.2 and 1 more transcripts); short protein forms D145Y, D180Y, D111Y, D170Y.
Identifiers: ClinVar variation 4827273 (VCV004827273.1).
Genomic context (GRCh38, chr5:112,775,714, plus strand): 5'-AAAGAAGAAAAGGAAAAAGACTGGTATTACGCTCAACTTCAGAATCTCACTAAAAGAATA[G>T]ATAGTCTTCCTTTAACTGAAAATGTAAGTAACTTGGCAGTACAACTTATTTGAAACTTTA-3'
Protein context (NP_000029.2, residues 160-180): AQLQNLTKRI[Asp170Tyr]SLPLTENFSL

ClinVar aggregate classification (germline): Uncertain significance (1 of 4 stars; one submission).

Conditions:
Hereditary cancer-predisposing syndrome. Also called: Neoplastic Syndromes, Hereditary; Tumor predisposition; Hereditary Cancer Syndrome; Hereditary neoplastic syndrome. Identifiers: Orphanet 140162, MedGen C0027672, MeSH D009386, MONDO:0015356.

Submission:

Ambry Genetics
Classification: Uncertain significance for Hereditary cancer-predisposing syndrome. Last evaluated: 2026-02-23. Review status: criteria provided, single submitter. Criteria: Ambry Variant Classification Scheme 2023. Collection method: clinical testing. Allele origin: germline.
Comment: The p.D170Y variant (also known as c.508G>T), located in coding exon 4 of the APC gene, results from a G to T substitution at nucleotide position 508. The aspartic acid at codon 170 is replaced by tyrosine, an amino acid with highly dissimilar properties. This amino acid position is conserved. In addition, in silico predictors for this gene do not accurately predict pathogenicity. Based on the available evidence, the clinical significance of this variant remains unclear.